The following is an entry in ClinVar:

ClinVar aggregate classification (germline): Uncertain significance (1 of 4 stars; one submission).

Conditions:
Dyskeratosis congenita, autosomal dominant 2. Identifiers: MedGen C3151443, MONDO:0013521, OMIM 613989.
Idiopathic Pulmonary Fibrosis. Also called: Idiopathic fibrosing alveolitis, chronic form; idiopathic fibrosing alveolitis. Identifiers: Orphanet 2032, MedGen C1800706, MeSH D054990, MONDO:0800504.

Submission:

Labcorp Genetics (formerly Invitae), Labcorp
Classification: Uncertain significance for Dyskeratosis congenita, autosomal dominant 2; Idiopathic Pulmonary Fibrosis. Last evaluated: 2025-10-26. Review status: criteria provided, single submitter. Criteria: Invitae Variant Classification Sherloc (09022015). Collection method: clinical testing. Allele origin: germline.
Comment: This sequence change replaces cysteine, which is neutral and slightly polar, with tyrosine, which is neutral and polar, at codon 468 of the TERT protein (p.Cys468Tyr). This variant is not present in population databases (gnomAD no frequency). This variant has not been reported in the literature in individuals affected with TERT-related conditions. Invitae Evidence Modeling of protein sequence and biophysical properties (such as structural, functional, and spatial information, amino acid conservation, physicochemical variation, residue mobility, and thermodynamic stability) indicates that this missense variant is expected to disrupt TERT protein function with a positive predictive value of 95%. In summary, the available evidence is currently insufficient to determine the role of this variant in disease. Therefore, it has been classified as a Variant of Uncertain Significance.

NM_198253.3(TERT):c.1403G>A (p.Cys468Tyr)

Gene: TERT (telomerase reverse transcriptase; minus strand). Cytogenetic location: 5p15.33.
Variant type: single nucleotide variant.
Coding change: c.1403G>A on transcript NM_198253.3 (MANE Select); coding-DNA position 1403, G replaced by A.
Protein change: p.Cys468Tyr; replaces cysteine 468 with tyrosine.
Molecular consequence: missense variant. On other transcripts: non-coding transcript variant (2).
Genome position (GRCh38, 1-based): chr5:1,293,483, C>T on the plus strand (G>A on the coding strand, the complement: TERT is on the minus strand). VCF-style: chr5-1293483-C-T. GRCh37 (hg19) VCF-style: chr5-1293598-C-T.
Other names: c.1403G>A, p.Cys468Tyr (NM_001193376.3); short protein forms C468Y.
Identifiers: ClinVar variation 4783681 (VCV004783681.1).
Genomic context (GRCh38, chr5:1,293,483, plus strand): 5'-AGGAAGCGGCGTTCGTTGTGCCTGGAGCCCCAGAGGCCTGGGGGCACCAGCCGGCGCAGG[C>T]AGGCCCGCACGAAGCCGTACACCTGCCAGGGGCTGCTGTGCTGGCGGAGCAGCTGCACCA-3'
Protein context (NP_937983.2, residues 458-478): PWQVYGFVRA[Cys468Tyr]LRRLVPPGLW